The following is an entry in ClinVar:

NM_018993.4(RIN2):c.2200+5_2200+6del

Gene: RIN2 (Ras and Rab interactor 2; plus strand). Cytogenetic location: 20p11.23.
Variant type: Deletion.
Coding change: c.2200+5_2200+6del on transcript NM_018993.4 (MANE Select); bases 5 to 6 of the intron after coding-DNA position 2200, 2 bases deleted (CT; older notation c.2200+5_2200+6delCT).
Molecular consequence: intron variant.
Genome position (GRCh38, 1-based): chr20:19,992,304-19,992,305, CT deleted. VCF-style (leftmost placement, unchanged base first): chr20-19992303-ACT-A. GRCh37 (hg19) VCF-style: chr20-19972947-ACT-A.
Other names: c.2347+5_2347+6del (NM_001242581.2); c.1582+5_1582+6del (NM_001378238.1).
Identifiers: ClinVar variation 1468760 (VCV001468760.6), dbSNP rs2042820394, ClinGen allele CA2354225003.

ClinVar aggregate classification (germline): Uncertain significance (1 of 4 stars; one submission).

Allele frequency attached by ClinVar (database versions not stated): gnomAD exomes below 0.00001; TOPMed below 0.00001.

Submission:

Labcorp Genetics (formerly Invitae), Labcorp
Classification: Uncertain significance. Last evaluated: 2025-01-29. Review status: criteria provided, single submitter. Criteria: Invitae Variant Classification Sherloc (09022015). Collection method: clinical testing. Allele origin: germline.
Comment: This sequence change falls in intron 9 of the RIN2 gene. It does not directly change the encoded amino acid sequence of the RIN2 protein. It affects a nucleotide within the consensus splice site. This variant is not present in population databases (gnomAD no frequency). This variant has not been reported in the literature in individuals affected with RIN2-related conditions. ClinVar contains an entry for this variant (Variation ID: 1468760). Variants that disrupt the consensus splice site are a relatively common cause of aberrant splicing (PMID: 17576681, 9536098). Algorithms developed to predict the effect of sequence changes on RNA splicing suggest that this variant is not likely to affect RNA splicing. In summary, the available evidence is currently insufficient to determine the role of this variant in disease. Therefore, it has been classified as a Variant of Uncertain Significance.

Literature cited by the submitters: PubMed 17576681; PubMed 9536098.